The following is an entry in ClinVar:

NM_007118.4(TRIO):c.8059T>A (p.Phe2687Ile)

Genes: TRIO (trio Rho guanine nucleotide exchange factor; plus strand), LOC126807323 (CDK7 strongly-dependent group 2 enhancer GRCh37_chr5:14497716-14498915; plus strand). Cytogenetic location: 5p15.2.
Variant type: single nucleotide variant.
Coding change: c.8059T>A on transcript NM_007118.4 (MANE Select); coding-DNA position 8059, T replaced by A.
Protein change: p.Phe2687Ile; replaces phenylalanine 2687 with isoleucine.
Molecular consequence: missense variant. On other transcripts: non-coding transcript variant (1).
Genome position (GRCh38, 1-based): chr5:14,498,100, T>A. VCF-style: chr5-14498100-T-A. GRCh37 (hg19) VCF-style: chr5-14498209-T-A.
Other names: short protein forms F2687I.
Identifiers: ClinVar variation 3336242 (VCV003336242.1).

ClinVar aggregate classification (germline): Uncertain significance (1 of 4 stars; one submission).

gnomAD v4.1: 5 of 1,614,188 alleles (0.00031%); highest among the groups gnomAD compares: Non-Finnish European, 0.00042%; no homozygotes.

Submission:

Women's Health and Genetics/Laboratory Corporation of America, LabCorp
Classification: Uncertain significance. Last evaluated: 2024-05-02. Review status: criteria provided, single submitter. Criteria: LabCorp Variant Classification Summary - May 2015. Collection method: clinical testing. Allele origin: germline.
Comment: Variant summary: TRIO c.8059T>A (p.Phe2687Ile) results in a non-conservative amino acid change located in the Immunoglobulin-like domain (IPR007110) of the encoded protein sequence. Four of five in-silico tools predict a damaging effect of the variant on protein function. The variant was absent in 251468 control chromosomes (gnomAD). The available data on variant occurrences in the general population are insufficient to allow any conclusion about variant significance. To our knowledge, no occurrence of c.8059T>A in individuals affected with TRIO-Related Intellectual Disability and no experimental evidence demonstrating its impact on protein function have been reported. No submitters have cited clinical-significance assessments for this variant to ClinVar. Based on the evidence outlined above, the variant was classified as uncertain significance.